The following is an entry in ClinVar:

ClinVar aggregate classification (germline): Benign/Likely benign. Review status: criteria provided, multiple submitters, no conflicts (2 of 4 stars). 6 submissions from 6 submitters: Benign (4); Likely benign (2). Last evaluated 2026-02-03.

Conditions:
Cortical dysplasia-focal epilepsy syndrome (PTHSL1). Also called: Pitt-Hopkins-like syndrome 1. Identifiers: Orphanet 163681, Orphanet 221150, MedGen C2750246, MONDO:0012400, OMIM 610042.

Allele frequency attached by ClinVar (database versions not stated): gnomAD exomes 0.00035 and 0.00114; ExAC 0.00143; gnomAD 0.00425 and 0.00454; TOPMed 0.00433; 1000 Genomes Project 0.00579; ESP Exome Variant Server 0.00607; 1000 Genomes Project 30x 0.00687.
gnomAD v4.1: 1,169 of 1,613,810 alleles (0.072%); highest among the groups gnomAD compares: African/African-American, 1.4%; 11 homozygotes.

Submissions (6):

Labcorp Genetics (formerly Invitae), Labcorp
Classification: Benign for Cortical dysplasia-focal epilepsy syndrome. Last evaluated: 2026-02-03. Review status: criteria provided, single submitter. Criteria: Invitae Variant Classification Sherloc (09022015). Collection method: clinical testing. Allele origin: germline.

CeGaT Center for Human Genetics Tuebingen
Classification: Likely benign. Last evaluated: 2025-11-01. Review status: criteria provided, single submitter. Criteria: CeGaT Center For Human Genetics Tuebingen Variant Classification Criteria Version 2. Collection method: clinical testing. Allele origin: germline. Affected: yes. Observed: 2 variant alleles.
Comment: CNTNAP2: BP4, BS1

Blueprint Genetics
Classification: Likely benign. Last evaluated: 2024-11-11. Review status: criteria provided, single submitter. Criteria: ACMG Guidelines, 2015. Collection method: clinical testing. Allele origin: germline.

Illumina Laboratory Services, Illumina
Classification: Benign for Cortical dysplasia-focal epilepsy syndrome. Last evaluated: 2018-01-12. Review status: criteria provided, single submitter. Criteria: ICSL Variant Classification Criteria 13 December 2019. Collection method: clinical testing. Allele origin: germline.
Comment: This variant was observed in the ICSL laboratory as part of a predisposition screen in an ostensibly healthy population. It had not been previously curated by ICSL or reported in the Human Gene Mutation Database (HGMD: prior to June 1st, 2018), and was therefore a candidate for classification through an automated scoring system. Utilizing variant allele frequency, disease prevalence and penetrance estimates, and inheritance mode, an automated score was calculated to assess if this variant is too frequent to cause the disease. Based on the score and internal cut-off values, a variant classified as benign is not then subjected to further curation. The score for this variant resulted in a classification of benign for this disease.

GeneDx
Classification: Benign. Last evaluated: 2013-03-15. Review status: criteria provided, single submitter. Criteria: GeneDx Variant Classification (06012015). Collection method: clinical testing. Allele origin: germline. Affected: yes.
Comment: This variant is considered likely benign or benign based on one or more of the following criteria: it is a conservative change, it occurs at a poorly conserved position in the protein, it is predicted to be benign by multiple in silico algorithms, and/or has population frequency not consistent with disease.

Eurofins Ntd Llc (ga)
Classification: Benign. Last evaluated: 2012-09-26. Review status: criteria provided, single submitter. Criteria: EGL Classification Definitions 2015. Collection method: clinical testing. Allele origin: germline. Observed: 1 variant allele, 1 heterozygote.

NM_014141.6(CNTNAP2):c.3382-7C>T

Gene: CNTNAP2 (contactin associated protein 2; plus strand). Cytogenetic location: 7q36.1.
Variant type: single nucleotide variant.
Coding change: c.3382-7C>T on transcript NM_014141.6 (MANE Select); 7 bases into the intron before coding-DNA position 3382, C replaced by T.
Molecular consequence: intron variant.
Genome position (GRCh38, 1-based): chr7:148,267,026, C>T. VCF-style: chr7-148267026-C-T. GRCh37 (hg19) VCF-style: chr7-147964118-C-T.
Identifiers: ClinVar variation 95568 (VCV000095568.28), dbSNP rs189589051, ClinGen allele CA285685.